The following is an entry in ClinVar:

ClinVar aggregate classification (germline): Pathogenic (1 of 4 stars; one submission).

Conditions:
Ehlers-Danlos syndrome, dermatosparaxis type. Also called: EDS VIIC; Dermatosparaxis; Ehlers-Danlos syndrome, type VII, autosomal recessive. Identifiers: Orphanet 1901, MedGen C2700425, MONDO:0009161, OMIM 225410.

Submission:

Myriad Genetics, Inc.
Classification: Pathogenic for Ehlers-Danlos syndrome, dermatosparaxis type. Last evaluated: 2024-05-14. Review status: criteria provided, single submitter. Criteria: Myriad Autosomal Dominant, Autosomal Recessive and X-Linked Classification Criteria (2023). Collection method: clinical testing. Allele origin: unknown.
Comment: NM_014244.4(ADAMTS2):c.132_133del2ins6(D44Efs*23) is expected to be pathogenic in the context of Ehlers-Danlos syndrome, ADAMTS2-related. This variant is predicted to lead to an abnormal or absent protein product due to the creation of a premature termination codon in ADAMTS2, a gene where loss-of-function variants are known to be pathogenic. Please note: this variant was assessed in the context of healthy population screening.

NM_014244.5(ADAMTS2):c.132_133delinsACTTGG (p.Asp44fs)

Gene: ADAMTS2 (ADAM metallopeptidase with thrombospondin type 1 motif 2; minus strand). Cytogenetic location: 5q35.3.
Variant type: Indel.
Coding change: c.132_133delinsACTTGG on transcript NM_014244.5 (MANE Select); coding-DNA positions 132 to 133, CC replaced by ACTTGG.
Protein change: p.Asp44fs; shifts the reading frame from aspartic acid 44.
Molecular consequence: frameshift variant.
Genome position (GRCh38, 1-based): chr5:179,345,196-179,345,197, GG replaced by CCAAGT on the plus strand (CC replaced by ACTTGG on the coding strand, the reverse complement: ADAMTS2 is on the minus strand). VCF-style: chr5-179345196-GG-CCAAGT. GRCh37 (hg19) VCF-style: chr5-178772197-GG-CCAAGT.
Other names: c.132_133delinsACTTGG, p.Asp44fs (NM_021599.4); short protein forms D44fs.
Identifiers: ClinVar variation 5011032 (VCV005011032.1).